The following is an entry in ClinVar:

ClinVar aggregate classification (germline): Uncertain significance (1 of 4 stars; one submission).

Conditions:
Immunodeficiency, common variable, 10. Also called: IMMUNODEFICIENCY, COMMON VARIABLE, WITH CENTRAL ADRENAL INSUFFICIENCY; DEFICIT IN ANTERIOR PITUITARY FUNCTION AND VARIABLE IMMUNODEFICIENCY. Identifiers: MedGen C3809991, MONDO:0014260, OMIM 615577.

Allele frequency attached by ClinVar (database versions not stated): gnomAD exomes below 0.00001; TOPMed 0.00001.
gnomAD v4.1: 2 of 1,613,882 alleles (0.00012%); highest among the groups gnomAD compares: South Asian, 0.0022%; no homozygotes.

Submission:

Labcorp Genetics (formerly Invitae), Labcorp
Classification: Uncertain significance for Immunodeficiency, common variable, 10. Last evaluated: 2024-09-05. Review status: criteria provided, single submitter. Criteria: Invitae Variant Classification Sherloc (09022015). Collection method: clinical testing. Allele origin: germline.
Comment: This sequence change replaces serine, which is neutral and polar, with arginine, which is basic and polar, at codon 541 of the NFKB2 protein (p.Ser541Arg). This variant is not present in population databases (gnomAD no frequency). This variant has not been reported in the literature in individuals affected with NFKB2-related conditions. ClinVar contains an entry for this variant (Variation ID: 1493064). An algorithm developed to predict the effect of missense changes on protein structure and function outputs the following: PolyPhen-2: "Benign". The arginine amino acid residue is found in multiple mammalian species, which suggests that this missense change does not adversely affect protein function. In summary, the available evidence is currently insufficient to determine the role of this variant in disease. Therefore, it has been classified as a Variant of Uncertain Significance.

NM_001322934.2(NFKB2):c.1621A>C (p.Ser541Arg)

Gene: NFKB2 (nuclear factor kappa B subunit 2; plus strand). Cytogenetic location: 10q24.32.
Variant type: single nucleotide variant.
Coding change: c.1621A>C on transcript NM_001322934.2 (MANE Select); coding-DNA position 1621, A replaced by C.
Protein change: p.Ser541Arg; replaces serine 541 with arginine.
Molecular consequence: missense variant.
Genome position (GRCh38, 1-based): chr10:102,400,314, A>C. VCF-style: chr10-102400314-A-C. GRCh37 (hg19) VCF-style: chr10-104160071-A-C.
Other names: c.1495A>C, p.Ser499Arg (NM_001322935.1); c.1621A>C, p.Ser541Arg (NM_002502.6, NM_001077494.3, NM_001261403.3 and 1 more transcripts); short protein forms S541R, S499R.
Identifiers: ClinVar variation 1493064 (VCV001493064.8), dbSNP rs1310195093, ClinGen allele CA377901601.